The following is an entry in ClinVar:

NM_000379.4(XDH):c.2728A>G (p.Thr910Ala)

Gene: XDH (xanthine dehydrogenase; minus strand). Cytogenetic location: 2p23.1.
Variant type: single nucleotide variant.
Coding change: c.2728A>G on transcript NM_000379.4 (MANE Select); coding-DNA position 2728, A replaced by G.
Protein change: p.Thr910Ala; replaces threonine 910 with alanine.
Molecular consequence: missense variant.
Genome position (GRCh38, 1-based): chr2:31,350,127, T>C on the plus strand (A>G on the coding strand, the complement: XDH is on the minus strand). VCF-style: chr2-31350127-T-C. GRCh37 (hg19) VCF-style: chr2-31572993-T-C.
Other names: short protein forms T910A.
Identifiers: ClinVar variation 898583 (VCV000898583.8), dbSNP rs1426236024, ClinGen allele CA346500546.

ClinVar aggregate classification (germline): Uncertain significance. Review status: criteria provided, multiple submitters, no conflicts (2 of 4 stars). 2 submissions from 2 submitters: Uncertain significance (2). Last evaluated 2022-05-16.

Conditions:
Xanthinuria type II. Also called: Xanthine dehydrogenase and aldehyde oxidase combined deficiency of; XDH and AOX dual deficiency. Identifiers: Orphanet 3467, Orphanet 93602, MedGen C1863688, MONDO:0011346, OMIM 603592.
Hereditary xanthinuria type 1 (XAN1). Identifiers: Orphanet 3467, Orphanet 93601, MedGen C0268118, MONDO:0010209, OMIM 278300.

Allele frequency attached by ClinVar (database versions not stated): gnomAD 0.00001; gnomAD exomes 0.00001 and 0.00002; TOPMed 0.00002.
gnomAD v4.1: 33 of 1,613,986 alleles (0.002%); highest among the groups gnomAD compares: Non-Finnish European, 0.0026%; no homozygotes.

Submissions (2):

Labcorp Genetics (formerly Invitae), Labcorp
Classification: Uncertain significance for Xanthinuria type II. Last evaluated: 2022-05-16. Review status: criteria provided, single submitter. Criteria: Invitae Variant Classification Sherloc (09022015). Collection method: clinical testing. Allele origin: germline.
Comment: This sequence change replaces threonine, which is neutral and polar, with alanine, which is neutral and non-polar, at codon 910 of the XDH protein (p.Thr910Ala). This variant is present in population databases (no rsID available, gnomAD 0.003%). This variant has not been reported in the literature in individuals affected with XDH-related conditions. ClinVar contains an entry for this variant (Variation ID: 898583). Algorithms developed to predict the effect of missense changes on protein structure and function are either unavailable or do not agree on the potential impact of this missense change (SIFT: "Deleterious"; PolyPhen-2: "Probably Damaging"; Align-GVGD: "Class C0"). In summary, the available evidence is currently insufficient to determine the role of this variant in disease. Therefore, it has been classified as a Variant of Uncertain Significance.

Illumina Laboratory Services, Illumina
Classification: Uncertain significance for Hereditary xanthinuria type 1. Last evaluated: 2017-04-27. Review status: criteria provided, single submitter. Criteria: ICSL Variant Classification Criteria 13 December 2019. Collection method: clinical testing. Allele origin: germline.